The following is an entry in ClinVar:

ClinVar aggregate classification (germline): Likely pathogenic (1 of 4 stars; one submission).

Submission:

Labcorp Genetics (formerly Invitae), Labcorp
Classification: Likely pathogenic. Last evaluated: 2022-11-22. Review status: criteria provided, single submitter. Criteria: Invitae Variant Classification Sherloc (09022015). Collection method: clinical testing. Allele origin: germline.
Comment: In summary, the currently available evidence indicates that the variant is pathogenic, but additional data are needed to prove that conclusively. Therefore, this variant has been classified as Likely Pathogenic. Algorithms developed to predict the effect of sequence changes on RNA splicing suggest that this variant may disrupt the consensus splice site. ClinVar contains an entry for this variant (Variation ID: 1348065). This variant has not been reported in the literature in individuals affected with LRP2-related conditions. This variant is not present in population databases (gnomAD no frequency). This variant results in the deletion of part of exon 14 (c.1773-5_1802del) of the LRP2 gene. It is expected to disrupt RNA splicing. Variants that disrupt the donor or acceptor splice site typically lead to a loss of protein function (PMID: 16199547), and loss-of-function variants in LRP2 are known to be pathogenic (PMID: 17632512, 25682901).

Literature cited by the submitters: PubMed 16199547; PubMed 17632512; PubMed 25682901.

NM_004525.3(LRP2):c.1773-5_1802del

Gene: LRP2 (LDL receptor related protein 2; minus strand). Cytogenetic location: 2q31.1.
Variant type: Deletion.
Coding change: c.1773-5_1802del on transcript NM_004525.3 (MANE Select); 5 bases into the intron before coding-DNA position 1773 through coding-DNA position 1802, 35 bases deleted.
Molecular consequence: splice acceptor variant.
Genome position (GRCh38, 1-based): chr2:169,275,209-169,275,243, 35 bases deleted; deleting any 35 consecutive bases within chr2:169,275,209-169,275,245 gives the same sequence; the c. name uses the placement nearest the transcript's 3' end. GRCh37 (hg19): chr2:170,131,721-170,131,755.
Identifiers: ClinVar variation 1348065 (VCV001348065.6), dbSNP rs2105443879, ClinGen allele CA2573133663.